The following is an entry in ClinVar:

NM_144997.7(FLCN):c.1597_1598del (p.Gln533fs)

Gene: FLCN (folliculin; minus strand). Cytogenetic location: 17p11.2.
Variant type: Microsatellite.
Coding change: c.1597_1598del on transcript NM_144997.7 (MANE Select); coding-DNA positions 1597 to 1598, 2 bases deleted (CA; older notation c.1597_1598delCA).
Protein change: p.Gln533fs; shifts the reading frame from glutamine 533.
Molecular consequence: frameshift variant.
Genome position (GRCh38, 1-based): chr17:17,213,797-17,213,798, TG deleted on the plus strand (CA on the coding strand, the reverse complement: FLCN is on the minus strand); deleting any 2 consecutive bases within chr17:17,213,797-17,213,803 gives the same sequence; the c. name uses the placement nearest the transcript's 3' end. VCF-style (leftmost placement, unchanged base first): chr17-17213796-CTG-C. GRCh37 (hg19) VCF-style: chr17-17117110-CTG-C.
Other names: p.Gln533Glufs*68; c.1651_1652del, p.Gln551fs (NM_001353229.2); c.1597_1598del, p.Gln533fs (NM_001353230.2, NM_001353231.2); c.1597_1598del (NM_144997.5); short protein forms Q551fs, Q533fs.
Identifiers: ClinVar variation 234040 (VCV000234040.13), dbSNP rs876660810, ClinGen allele CA10580167.

ClinVar aggregate classification (germline): Pathogenic/Likely pathogenic. Review status: criteria provided, multiple submitters, no conflicts (2 of 4 stars). 4 submissions from 4 submitters: Pathogenic (2); Likely pathogenic (2). Last evaluated 2026-08-06.

Conditions:
Inherited renal cancer.
Hereditary cancer-predisposing syndrome. Also called: Neoplastic Syndromes, Hereditary; Hereditary Cancer Syndrome; Hereditary neoplastic syndrome; Tumor predisposition. Identifiers: Orphanet 140162, MedGen C0027672, MeSH D009386, MONDO:0015356.
Birt-Hogg-Dube syndrome. Also called: Birt Hogg Dubé syndrome. Identifiers: Orphanet 122, MedGen C0346010, MONDO:0800444.

Submissions (4):

Genetics Laboratory, Great Ormond Street Hospital NHS Foundation Trust, North Thames Genomic Laboratory Hub
Classification: Likely pathogenic for Inherited renal cancer. Last evaluated: 2026-08-06. Review status: criteria provided, single submitter. Criteria: CanVIG Consensus Spec V3.0. Collection method: clinical testing. Allele origin: germline. Affected: yes.
Comment: PM2_supporting, PVS1_strong, PP4_supporting

Mayo Clinic Laboratories, Mayo Clinic
Classification: Likely pathogenic. Last evaluated: 2025-05-20. Review status: criteria provided, single submitter. Criteria: ACMG Guidelines, 2015. Collection method: clinical testing. Allele origin: germline. Observed: 1 variant allele.
Comment: PP4, PM2_supporting, PVS1_strong

Ambry Genetics
Classification: Pathogenic for Hereditary cancer-predisposing syndrome. Last evaluated: 2025-01-11. Review status: criteria provided, single submitter. Criteria: Ambry Variant Classification Scheme 2023. Collection method: clinical testing. Allele origin: germline.
Comment: The c.1597_1598delCA pathogenic mutation, located in coding exon 11 of the FLCN gene, results from a deletion of two nucleotides at nucleotide positions 1597 to 1598, causing a translational frameshift with a predicted alternate stop codon (p.Q553Efs*68). This frameshift occurs at the 3' end of FLCN, is not expected to trigger nonsense-mediated mRNA decay, impacts only the last 8% of the protein, and elongates the FLCN protein by 21 amino acids. Frameshifts are typically deleterious in nature and there are multiple similar alterations classified as pathogenic including FLCN c.1616dupT (p.A541Cfs*61) and FLCN c.1579_1580insA (p.R527Qfs*75) (Ambry Internal Data; Furuya M et al. Am J Surg Pathol, 2012 Apr;36:589-600; Yang CY et al. J Postgrad Med;59:321-3; Liu L et al. Biomed Res Int, 2017 Jul;2017:8751384; Hou X et al. BMC Med Genet, 2018 01;19:14). This alteration has been observed in at least one individual with a personal and/or family history that is consistent with FLCN-related disease (Ambry internal data). This variant was not reported in population-based cohorts in the Genome Aggregation Database (gnomAD). Based on the supporting evidence, this alteration is interpreted as a disease-causing mutation.

Labcorp Genetics (formerly Invitae), Labcorp
Classification: Pathogenic for Birt-Hogg-Dube syndrome. Last evaluated: 2024-03-06. Review status: criteria provided, single submitter. Criteria: Invitae Variant Classification Sherloc (09022015). Collection method: clinical testing. Allele origin: germline.
Comment: This sequence change results in a frameshift in the FLCN gene (p.Gln533Glufs*68). While this is not anticipated to result in nonsense mediated decay, it is expected to disrupt the last 47 amino acid(s) of the FLCN protein and extend the protein by 20 additional amino acid residues. This variant is not present in population databases (gnomAD no frequency). This frameshift has been observed in individuals with Birt-Hogg-Dubé syndrome (PMID: 20403193; Invitae). This variant is also known as 2052_2053del. ClinVar contains an entry for this variant (Variation ID: 234040). This variant disrupts the FNIP1/2 interaction domain, which has been shown to be important for AMPK-mediated mTOR signaling pathways (PMID: 17028174, 18403135, 18663353, 22977732). While functional studies have not been performed to directly test the effect of this variant on FLCN protein function, this suggests that disruption of this region of the protein may be causative of disease. This variant disrupts a region of the FLCN protein in which other variant(s) (p.Trp553Arg) have been determined to be pathogenic (Invitae; external communications). This suggests that this is a clinically significant region of the protein, and that variants that disrupt it are likely to be disease-causing. For these reasons, this variant has been classified as Pathogenic.

Literature cited by the submitters: PubMed 20403193 (cited by Mayo Clinic Laboratories, Mayo Clinic and Labcorp Genetics (formerly Invitae), Labcorp); PubMed 17028174 (cited by Labcorp Genetics (formerly Invitae), Labcorp); PubMed 18403135 (cited by Labcorp Genetics (formerly Invitae), Labcorp); PubMed 18663353 (cited by Labcorp Genetics (formerly Invitae), Labcorp); PubMed 22977732 (cited by Labcorp Genetics (formerly Invitae), Labcorp).